The following is an entry in ClinVar:

NM_000257.4(MYH7):c.595G>A (p.Ala199Thr)

Gene: MYH7 (myosin heavy chain 7; minus strand). Cytogenetic location: 14q11.2.
Variant type: single nucleotide variant.
Coding change: c.595G>A on transcript NM_000257.4 (MANE Select); coding-DNA position 595, G replaced by A.
Protein change: p.Ala199Thr; replaces alanine 199 with threonine.
Molecular consequence: missense variant.
Genome position (GRCh38, 1-based): chr14:23,431,805, C>T on the plus strand (G>A on the coding strand, the complement: MYH7 is on the minus strand). VCF-style: chr14-23431805-C-T. GRCh37 (hg19) VCF-style: chr14-23901014-C-T.
Other names: short protein forms A199T.
Identifiers: ClinVar variation 1806336 (VCV001806336.3), dbSNP rs730880845, ClinGen allele CA016506.
Genomic context (GRCh38, chr14:23,431,805, plus strand): 5'-AGGGCAGCAGGCCTACCTTGCCCGGGCTCTGGTCCTTCTTGCTGCGGTCCCCAATGGCTG[C>T]AATAACAGCAAAGTACTGGATGACCCTCTTGGTGTTGACTGTCTTCCCTGCTCCGGATTC-3'
Protein context (NP_000248.2, residues 189-209): KRVIQYFAVI[Ala199Thr]AIGDRSKKDQ

ClinVar aggregate classification (germline): Likely pathogenic. Review status: criteria provided, multiple submitters, no conflicts (2 of 4 stars). 3 submissions from 3 submitters: Likely pathogenic (3). Last evaluated 2024-01-05.

Conditions:
Hypertrophic cardiomyopathy. Also called: HYPERTROPHIC MYOCARDIOPATHY. Identifiers: Orphanet 217569, MedGen C0007194, MeSH D002312, MONDO:0005045, HP:0001639.
Cardiomyopathy (CMYO). Also called: Cardiomyopathies. Identifiers: Orphanet 167848, MedGen C0878544, MONDO:0004994, HP:0001638. Inheritance: Various modes of inheritance.
Hypertrophic cardiomyopathy 1 (CMH1). Also called: Familial hypertrophic cardiomyopathy 1; MYH7-Related Familial Hypertrophic Cardiomyopathy. Identifiers: MedGen C3495498, MONDO:0008647, OMIM 192600.

Allele frequency attached by ClinVar (database versions not stated): gnomAD exomes below 0.00001.
gnomAD v4.1: 1 of 1,614,274 alleles (0.000062%); highest among the groups gnomAD compares: Non-Finnish European, 0.000085%; no homozygotes.

Submissions (3):

Molecular Genetics, Royal Melbourne Hospital
Classification: Likely pathogenic for Hypertrophic cardiomyopathy. Last evaluated: 2024-01-05. Review status: criteria provided, single submitter. Criteria: ACMG Guidelines, 2015. Collection method: clinical testing. Allele origin: germline. Inheritance: Autosomal dominant inheritance.
Comment: This sequence change in MYH7 is predicted to replace alanine with threonine at codon 199, p.(Ala199Thr). The alanine residue is highly conserved (100 vertebrates, Multiz Alignments), and is located in the myosin head domain, a region (amino acids 167-931) that is defined as a mutational hotspot (PMID: 30696458). There is a small physicochemical difference between alanine and threonine. This variant is present in a single individual from the European (non-Finnish) population in the population database gnomAD v4.0 (1/761,900 alleles). This variant has been reported in at least three probands with hypertrophic cardiomyopathy (PMID: 24793961, 27532257; ClinVar: SCV002768848.1). Computational evidence predicts a deleterious effect for the missense substitution (REVEL = 0.753). Another missense variant c.596C>T, p.(Ala199Val) in the same codon has been classified as pathogenic (ClinVar ID: 177692; PMID: 25611685, 27532257). Based on the classification scheme RMH Modified ACMG/AMP Guidelines v1.6.1, this variant is classified as LIKELY PATHOGENIC. Following criteria are met: PM1, PM5, PM2_Supporting, PP3, PS4_Supporting.

CHEO Genetics Diagnostic Laboratory, Children's Hospital of Eastern Ontario
Classification: Likely pathogenic for Cardiomyopathy. Last evaluated: 2023-05-16. Review status: criteria provided, single submitter. Criteria: ACMG Guidelines, 2015. Collection method: clinical testing. Allele origin: germline.

Victorian Clinical Genetics Services, Murdoch Childrens Research Institute
Classification: Likely pathogenic for Hypertrophic cardiomyopathy 1. Last evaluated: 2021-05-06. Review status: criteria provided, single submitter. Criteria: ACMG Guidelines, 2015. Collection method: clinical testing. Allele origin: germline. Inheritance: Autosomal dominant inheritance.
Comment: Based on the classification scheme VCGS_Germline_v1.3.4, this variant is classified as Likely Pathogenic. Following criteria are met: 0105 - The mechanism of disease for this gene is not clearly established however, missense variants have been proposed to act in a dominant negative manner (PMID: 24714796). (I) 0107 - This gene is associated with autosomal dominant disease. (I) 0112 - The condition associated with this gene has incomplete penetrance. HCM is known to be an incompletely penetrant disease, although data specific to this gene is lacking (PMID:29300372). (I) 0200 - Variant is predicted to result in a missense amino acid change from alanine to threonine. (I) 0251 - This variant is heterozygous. (I) 0301 - Variant is absent from gnomAD (both v2 and v3). (SP) 0501 - Missense variant consistently predicted to be damaging by multiple in silico tools or highly conserved with a major amino acid change. (SP) 0601 - Variant is located in the well-established functional myosin motor domain. Pathogenic missense variants in individuals with hypertrophic cardiomyopathy (HCM) cluster in this region (PMID:29300372, 27532257). (SP) 0704 - Another missense variant comparable to the one identified in this case has limited previous evidence for pathogenicity. The variant p.(Ala199Val) has been reported in multiple unrelated individuals with HCM (ClinVar, PMID:27532257). (SP) 0803 - This variant has limited previous evidence of pathogenicity in unrelated individuals. It has been reported in at least two unrelated individuals with HCM in large cohort studies (PMID:24793961, 27532257). (SP) 0905 - No published segregation evidence has been identified for this variant. (I) 1007 - No published functional evidence has been identified for this variant. (I) 1208 - Inheritance information for this variant is not currently available in this individual. (I) Legend: (SP) - Supporting pathogenic, (I) - Information, (SB) - Supporting benign

Literature cited by the submitters: PubMed 24793961 (cited by Molecular Genetics, Royal Melbourne Hospital and Victorian Clinical Genetics Services, Murdoch Childrens Research Institute); PubMed 25611685 (cited by Molecular Genetics, Royal Melbourne Hospital); PubMed 27532257 (cited by Molecular Genetics, Royal Melbourne Hospital and Victorian Clinical Genetics Services, Murdoch Childrens Research Institute); PubMed 30696458 (cited by Molecular Genetics, Royal Melbourne Hospital); PubMed 24714796 (cited by Victorian Clinical Genetics Services, Murdoch Childrens Research Institute); PubMed 29300372 (cited by Victorian Clinical Genetics Services, Murdoch Childrens Research Institute).